The following is an entry in ClinVar:

ClinVar aggregate classification (germline): Uncertain significance. Review status: criteria provided, multiple submitters, no conflicts (2 of 4 stars). 2 submissions from 2 submitters: Uncertain significance (2). Last evaluated 2021-08-31.

Conditions:
Combined immunodeficiency due to DOCK8 deficiency (HIES2). Also called: HIES autosomal recessive; Hyper-IgE recurrent infection syndrome, autosomal recessive; DOCK8 Deficiency; HYPER-IgE RECURRENT INFECTION SYNDROME 2, AUTOSOMAL RECESSIVE; HYPER-IgE SYNDROME 2, AUTOSOMAL RECESSIVE, WITH RECURRENT INFECTIONS. Identifiers: Orphanet 217390, MedGen C4722305, MONDO:0009478, OMIM 243700.

gnomAD v4.1: 1 of 1,614,030 alleles (0.000062%); highest among the groups gnomAD compares: Non-Finnish European, 0.000085%; no homozygotes.

Submissions (2):

Labcorp Genetics (formerly Invitae), Labcorp
Classification: Uncertain significance for Combined immunodeficiency due to DOCK8 deficiency. Last evaluated: 2021-08-31. Review status: criteria provided, single submitter. Criteria: Invitae Variant Classification Sherloc (09022015). Collection method: clinical testing. Allele origin: germline.
Comment: This sequence change replaces serine with isoleucine at codon 287 of the DOCK8 protein (p.Ser287Ile). The serine residue is highly conserved and there is a large physicochemical difference between serine and isoleucine. This variant is not present in population databases (ExAC no frequency). This variant has not been reported in the literature in individuals affected with DOCK8-related conditions. Algorithms developed to predict the effect of missense changes on protein structure and function are either unavailable or do not agree on the potential impact of this missense change (SIFT: "Deleterious"; PolyPhen-2: "Possibly Damaging"; Align-GVGD: "Class C0"). In summary, the available evidence is currently insufficient to determine the role of this variant in disease. Therefore, it has been classified as a Variant of Uncertain Significance.

Baylor Genetics
Classification: Uncertain significance for Combined immunodeficiency due to DOCK8 deficiency. Last evaluated: 2018-07-31. Review status: criteria provided, single submitter. Criteria: ACMG Guidelines, 2015. Collection method: clinical testing. Allele origin: maternal. Affected: yes.
Comment: This variant was determined to be of uncertain significance according to ACMG Guidelines, 2015 [PMID:25741868].

NM_203447.4(DOCK8):c.860G>T (p.Ser287Ile)

Gene: DOCK8 (dedicator of cytokinesis 8; plus strand). Cytogenetic location: 9p24.3.
Variant type: single nucleotide variant.
Coding change: c.860G>T on transcript NM_203447.4 (MANE Select); coding-DNA position 860, G replaced by T.
Protein change: p.Ser287Ile; replaces serine 287 with isoleucine.
Molecular consequence: missense variant.
Genome position (GRCh38, 1-based): chr9:325,703, G>T. VCF-style: chr9-325703-G-T. GRCh37 (hg19) VCF-style: chr9-325703-G-T.
Other names: c.656G>T, p.Ser219Ile (NM_001190458.2, NM_001193536.2); short protein forms S219I, S287I.
Identifiers: ClinVar variation 1001378 (VCV001001378.7), dbSNP rs2050737085, ClinGen allele CA372750887.